The following is an entry in ClinVar:

NM_170707.4(LMNA):c.1337A>T (p.Asp446Val)

Gene: LMNA (lamin A/C; plus strand). Cytogenetic location: 1q22.
Variant type: single nucleotide variant.
Coding change: c.1337A>T on transcript NM_170707.4 (MANE Select); coding-DNA position 1337, A replaced by T.
Protein change: p.Asp446Val; replaces aspartic acid 446 with valine.
Molecular consequence: missense variant.
Genome position (GRCh38, 1-based): chr1:156,136,393, A>T. VCF-style: chr1-156136393-A-T. GRCh37 (hg19) VCF-style: chr1-156106184-A-T.
Other names: c.1001A>T, p.Asp334Val (NM_001257374.3); c.1094A>T, p.Asp365Val (NM_001282624.2); c.1337A>T, p.Asp446Val (NM_001282625.2, NM_001282626.2, NM_005572.4 and 1 more transcripts); short protein forms D446V, D334V, D365V.
Identifiers: ClinVar variation 66805 (VCV000066805.9), dbSNP rs58541611, ClinGen allele CA017008.

ClinVar aggregate classification (germline): Likely pathogenic. Review status: criteria provided, single submitter (1 of 4 stars). 2 submissions from 2 submitters: Likely pathogenic (1). 1 of the submissions does not count toward it. Last evaluated 2021-05-14.

Conditions:
Charcot-Marie-Tooth disease type 2. Also called: Charcot-Marie-Tooth type 2. Identifiers: Orphanet 64746, MedGen C0270914, MONDO:0018993.

Submissions (2):

Labcorp Genetics (formerly Invitae), Labcorp
Classification: Likely pathogenic for Charcot-Marie-Tooth disease type 2. Last evaluated: 2021-05-14. Review status: criteria provided, single submitter. Criteria: Invitae Variant Classification Sherloc (09022015). Collection method: clinical testing. Allele origin: germline.
Comment: Experimental studies have shown that this variant affects LMNA protein function (PMID: 27534416, 24623722). This variant disrupts the p.Asp446 amino acid residue in LMNA. Other variant(s) that disrupt this residue have been determined to be pathogenic (Invitae). This suggests that this residue is clinically significant, and that variants that disrupt this residue are likely to be disease-causing. In summary, the currently available evidence indicates that the variant is pathogenic, but additional data are needed to prove that conclusively. Therefore, this variant has been classified as Likely Pathogenic. This variant has been observed in individual(s) with clinical features of LMNA-related conditions (PMID: 14684700, Invitae). ClinVar contains an entry for this variant (Variation ID: 66805). This sequence change replaces aspartic acid with valine at codon 446 of the LMNA protein (p.Asp446Val). The aspartic acid residue is highly conserved and there is a large physicochemical difference between aspartic acid and valine. This variant is not present in population databases (ExAC no frequency).

Epithelial Biology;  Institute of Medical Biology, Singapore
No classification provided. Review status: no classification provided. Collection method: not provided. Allele origin: not provided. Not counted in ClinVar's aggregate classification.

Literature cited by the submitters: PubMed 27534416 (cited by Labcorp Genetics (formerly Invitae), Labcorp); PubMed 24623722 (cited by Labcorp Genetics (formerly Invitae), Labcorp); PubMed 14684700 (cited by Labcorp Genetics (formerly Invitae), Labcorp).